The following is an entry in ClinVar:

NM_001557.4(CXCR2):c.1021C>T (p.Pro341Ser)

Gene: CXCR2 (C-X-C motif chemokine receptor 2; plus strand). Cytogenetic location: 2q35.
Variant type: single nucleotide variant.
Coding change: c.1021C>T on transcript NM_001557.4 (MANE Select); coding-DNA position 1021, C replaced by T.
Protein change: p.Pro341Ser; replaces proline 341 with serine.
Molecular consequence: missense variant.
Genome position (GRCh38, 1-based): chr2:218,135,822, C>T. VCF-style: chr2-218135822-C-T. GRCh37 (hg19) VCF-style: chr2-219000545-C-T.
Other names: c.1021C>T, p.Pro341Ser (NM_001168298.2); short protein forms P341S.
Identifiers: ClinVar variation 2041951 (VCV002041951.2), dbSNP rs752426918, ClinGen allele CA350532711.

ClinVar aggregate classification (germline): Uncertain significance (1 of 4 stars; one submission).

Allele frequency attached by ClinVar (database versions not stated): gnomAD 0.00001.
gnomAD v4.1: 1 of 1,613,958 alleles (0.000062%); highest among the groups gnomAD compares: Non-Finnish European, 0.000085%; no homozygotes.

Submission:

Labcorp Genetics (formerly Invitae), Labcorp
Classification: Uncertain significance. Last evaluated: 2021-12-13. Review status: criteria provided, single submitter. Criteria: Invitae Variant Classification Sherloc (09022015). Collection method: clinical testing. Allele origin: germline.
Comment: In summary, the available evidence is currently insufficient to determine the role of this variant in disease. Therefore, it has been classified as a Variant of Uncertain Significance. Algorithms developed to predict the effect of missense changes on protein structure and function output the following: SIFT: "Tolerated"; PolyPhen-2: "Benign"; Align-GVGD: "Class C0". The serine amino acid residue is found in multiple mammalian species, which suggests that this missense change does not adversely affect protein function. This variant has not been reported in the literature in individuals affected with CXCR2-related conditions. This variant is not present in population databases (gnomAD no frequency). This sequence change replaces proline, which is neutral and non-polar, with serine, which is neutral and polar, at codon 341 of the CXCR2 protein (p.Pro341Ser).